The following is an entry in ClinVar:

NM_017934.7(PHIP):c.1432G>A (p.Asp478Asn)

Gene: PHIP (PHIP subunit of CUL4-Ring ligase complex; minus strand). Cytogenetic location: 6q14.1.
Variant type: single nucleotide variant.
Coding change: c.1432G>A on transcript NM_017934.7 (MANE Select); coding-DNA position 1432, G replaced by A.
Protein change: p.Asp478Asn; replaces aspartic acid 478 with asparagine.
Molecular consequence: missense variant.
Genome position (GRCh38, 1-based): chr6:79,015,174, C>T on the plus strand (G>A on the coding strand, the complement: PHIP is on the minus strand). VCF-style: chr6-79015174-C-T. GRCh37 (hg19) VCF-style: chr6-79724891-C-T.
Other names: short protein forms D478N.
Identifiers: ClinVar variation 3359560 (VCV003359560.1).

ClinVar aggregate classification (germline): Uncertain significance (1 of 4 stars; one submission).

gnomAD v4.1: 3 of 1,610,888 alleles (0.00019%); highest among the groups gnomAD compares: Non-Finnish European, 0.00025%; no homozygotes.

Submission:

GeneDx
Classification: Uncertain significance. Last evaluated: 2023-06-08. Review status: criteria provided, single submitter. Criteria: GeneDx Variant Classification Process June 2021. Collection method: clinical testing. Allele origin: germline. Affected: yes.
Comment: Not observed at significant frequency in large population cohorts (gnomAD); In silico analysis supports that this missense variant has a deleterious effect on protein structure/function; Has not been previously published as pathogenic or benign to our knowledge